The following is an entry in ClinVar:

NM_033118.4(MYLK2):c.577G>A (p.Ala193Thr)

Gene: MYLK2 (myosin light chain kinase 2; plus strand). Cytogenetic location: 20q11.21.
Variant type: single nucleotide variant.
Coding change: c.577G>A on transcript NM_033118.4 (MANE Select); coding-DNA position 577, G replaced by A.
Protein change: p.Ala193Thr; replaces alanine 193 with threonine.
Molecular consequence: missense variant.
Genome position (GRCh38, 1-based): chr20:31,821,542, G>A. VCF-style: chr20-31821542-G-A. GRCh37 (hg19) VCF-style: chr20-30409345-G-A.
Other names: short protein forms A193T.
Identifiers: ClinVar variation 635226 (VCV000635226.11), dbSNP rs1228303561, ClinGen allele CA408525907.

ClinVar aggregate classification (germline): Uncertain significance. Review status: criteria provided, multiple submitters, no conflicts (2 of 4 stars). 4 submissions from 4 submitters: Uncertain significance (4). Last evaluated 2025-02-19.

Conditions:
Hypertrophic cardiomyopathy 1 (CMH1). Also called: MYH7-Related Familial Hypertrophic Cardiomyopathy; Familial hypertrophic cardiomyopathy 1. Identifiers: MedGen C3495498, MONDO:0008647, OMIM 192600.

Allele frequency attached by ClinVar (database versions not stated): TOPMed 0.00001; gnomAD exomes 0.00001.

Submissions (4):

Ambry Genetics
Classification: Uncertain significance. Last evaluated: 2025-02-19. Review status: criteria provided, single submitter. Criteria: Ambry Variant Classification Scheme 2023. Collection method: clinical testing. Allele origin: germline.

Labcorp Genetics (formerly Invitae), Labcorp
Classification: Uncertain significance for Hypertrophic cardiomyopathy 1. Last evaluated: 2020-05-09. Review status: criteria provided, single submitter. Criteria: Invitae Variant Classification Sherloc (09022015). Collection method: clinical testing. Allele origin: germline.
Comment: In summary, the available evidence is currently insufficient to determine the role of this variant in disease. Therefore, it has been classified as a Variant of Uncertain Significance. Algorithms developed to predict the effect of missense changes on protein structure and function are either unavailable or do not agree on the potential impact of this missense change (SIFT: "Deleterious"; PolyPhen-2: "Benign"; Align-GVGD: "Class C0"). This variant has not been reported in the literature in individuals with MYLK2-related conditions. ClinVar contains an entry for this variant (Variation ID: 635226). This variant is not present in population databases (ExAC no frequency). This sequence change replaces alanine with threonine at codon 193 of the MYLK2 protein (p.Ala193Thr). The alanine residue is moderately conserved and there is a small physicochemical difference between alanine and threonine.

Stanford Center for Inherited Cardiovascular Disease, Stanford University
Classification: Uncertain significance. Last evaluated: 2016-02-22. Review status: criteria provided, single submitter. Criteria: ACMG Guidelines, 2015. Collection method: provider interpretation. Allele origin: germline.

Neuberg Centre For Genomic Medicine, NCGM
Classification: Uncertain significance for Hypertrophic cardiomyopathy 1. Review status: criteria provided, single submitter. Criteria: ACMG Guidelines, 2015. Collection method: clinical testing. Allele origin: germline. Inheritance: Autosomal dominant inheritance. Affected: yes.
Comment: The missense variant c.577G>A (p.Ala193Thr) in MYLK2 has not been reported previously as a pathogenic variant nor as a benign variant, to our knowledge. The p.Ala193Thr variant is present with allele frequency of 0.001% in gnomAD exomes database. This variant has been submitted to the ClinVar database as Uncertain Significance. Multiple lines of computational evidence (Polyphen - Benign, SIFT - Tolerated and MutationTaster - Polymorphism) predict no damaging effect on protein structure and function for this variant. The reference amino acid at this position on MYLK2 gene is predicted as conserved by GERP++ and PhyloP across 100 vertebrates. The amino acid Ala at position 193 is changed to a Thr changing protein sequence and it might alter its composition and physico-chemical properties. For these reasons, this variant has been classified as Uncertain Significance (VUS).